The following is an entry in ClinVar:

ClinVar aggregate classification (germline): Uncertain significance (1 of 4 stars; one submission).

Conditions:
Inborn genetic diseases. Identifiers: MedGen C0950123, MeSH D030342.

Submission:

Ambry Genetics
Classification: Uncertain significance for Inborn genetic diseases. Last evaluated: 2025-07-08. Review status: criteria provided, single submitter. Criteria: Ambry Variant Classification Scheme 2023. Collection method: clinical testing. Allele origin: germline.
Comment: The c.164-3C>A intronic variant results from a C to A substitution 3 nucleotides upstream from coding exon 3 in the ETV6 gene. This nucleotide position is highly conserved in available vertebrate species. In silico splice site analysis predicts that this alteration will not have any significant effect on splicing. Based on the available evidence, the clinical significance of this variant remains unclear.

NM_001987.5(ETV6):c.164-3C>A

Genes: ETV6 (ETS variant transcription factor 6; plus strand), LOC126861451 (BRD4-independent group 4 enhancer GRCh37_chr12:11991350-11992549; plus strand). Cytogenetic location: 12p13.2.
Variant type: single nucleotide variant.
Coding change: c.164-3C>A on transcript NM_001987.5 (MANE Select); 3 bases into the intron before coding-DNA position 164, C replaced by A.
Molecular consequence: intron variant.
Genome position (GRCh38, 1-based): chr12:11,839,137, C>A. VCF-style: chr12-11839137-C-A. GRCh37 (hg19) VCF-style: chr12-11992071-C-A.
Other names: c.137-3C>A (NM_001413914.1); c.164-3C>A (NM_001413917.1, NM_001413916.1, NM_001413918.1); c.161-3C>A (NM_001413913.1); c.-101-3C>A (NM_001413915.1).
Identifiers: ClinVar variation 4251434 (VCV004251434.1).